The following is an entry in ClinVar:

ClinVar aggregate classification (germline): Uncertain significance. Review status: criteria provided, multiple submitters, no conflicts (2 of 4 stars). 2 submissions from 2 submitters: Uncertain significance (2). Last evaluated 2024-03-07.

Allele frequency attached by ClinVar (database versions not stated): gnomAD 0.00001; gnomAD exomes 0.00001; TOPMed 0.00001; ExAC 0.00003.
gnomAD v4.1: 16 of 1,612,860 alleles (0.00099%); highest among the groups gnomAD compares: Admixed American, 0.0033%; no homozygotes.

Submissions (2):

Ambry Genetics
Classification: Uncertain significance. Last evaluated: 2024-03-07. Review status: criteria provided, single submitter. Criteria: Ambry Variant Classification Scheme 2023. Collection method: clinical testing. Allele origin: germline.

Labcorp Genetics (formerly Invitae), Labcorp
Classification: Uncertain significance. Last evaluated: 2022-06-18. Review status: criteria provided, single submitter. Criteria: Invitae Variant Classification Sherloc (09022015). Collection method: clinical testing. Allele origin: germline.
Comment: This sequence change replaces alanine, which is neutral and non-polar, with threonine, which is neutral and polar, at codon 710 of the ZNF341 protein (p.Ala710Thr). This variant is present in population databases (rs754883944, gnomAD 0.01%). This variant has not been reported in the literature in individuals affected with ZNF341-related conditions. Algorithms developed to predict the effect of missense changes on protein structure and function (SIFT, PolyPhen-2, Align-GVGD) all suggest that this variant is likely to be tolerated. In summary, the available evidence is currently insufficient to determine the role of this variant in disease. Therefore, it has been classified as a Variant of Uncertain Significance.

NM_001282933.2(ZNF341):c.2149G>A (p.Ala717Thr)

Genes: ZNF341 (zinc finger protein 341; plus strand), ZNF341-AS1 (ZNF341 antisense RNA 1; minus strand). Cytogenetic location: 20q11.22.
Variant type: single nucleotide variant.
Coding change: c.2149G>A on transcript NM_001282933.2 (MANE Select); coding-DNA position 2149, G replaced by A.
Protein change: p.Ala717Thr; replaces alanine 717 with threonine.
Molecular consequence: missense variant. On other transcripts: non-coding transcript variant (1).
Genome position (GRCh38, 1-based): chr20:33,791,101, G>A. VCF-style: chr20-33791101-G-A. GRCh37 (hg19) VCF-style: chr20-32378907-G-A.
Other names: c.1879G>A, p.Ala627Thr (NM_001282935.2); c.2128G>A, p.Ala710Thr (NM_032819.5); c.2128G>A (NM_032819.3); short protein forms A627T, A710T, A717T.
Identifiers: ClinVar variation 2190089 (VCV002190089.2), dbSNP rs754883944, ClinGen allele CA9819718.
Genomic context (GRCh38, chr20:33,791,101, plus strand): 5'-CACCTCGCCGAGCATCAGCGCGCCCACACGGGCAACTACAAGTTCCGCTGTGCTGGCTGC[G>A]CCAAGGGCTTTTCCCGCCACAAATACCTCAAAGATCACCGCTGTCGTCTCGGCCCCCAAA-3'
Protein context (NP_001269862.1, residues 707-727): GNYKFRCAGC[Ala717Thr]KGFSRHKYLK